The following is an entry in ClinVar:

NM_000701.8(ATP1A1):c.755-3A>C

Gene: ATP1A1 (ATPase Na+/K+ transporting subunit alpha 1; plus strand). Cytogenetic location: 1p13.1.
Variant type: single nucleotide variant.
Coding change: c.755-3A>C on transcript NM_000701.8 (MANE Select); 3 bases into the intron before coding-DNA position 755, A replaced by C.
Molecular consequence: intron variant.
Genome position (GRCh38, 1-based): chr1:116,389,436, A>C. VCF-style: chr1-116389436-A-C. GRCh37 (hg19) VCF-style: chr1-116932058-A-C.
Other names: c.755-3A>C (NM_001160233.2); c.662-3A>C (NM_001160234.2).
Identifiers: ClinVar variation 1996718 (VCV001996718.4), dbSNP rs940435898, ClinGen allele CA30070090.

ClinVar aggregate classification (germline): Uncertain significance (1 of 4 stars; one submission).

Allele frequency attached by ClinVar (database versions not stated): gnomAD exomes 0.00001; TOPMed 0.00001; gnomAD 0.00003.
gnomAD v4.1: 23 of 1,613,228 alleles (0.0014%); highest among the groups gnomAD compares: African/African-American, 0.008%; no homozygotes.

Submission:

Labcorp Genetics (formerly Invitae), Labcorp
Classification: Uncertain significance. Last evaluated: 2024-03-15. Review status: criteria provided, single submitter. Criteria: Invitae Variant Classification Sherloc (09022015). Collection method: clinical testing. Allele origin: germline.
Comment: This sequence change falls in intron 7 of the ATP1A1 gene. It does not directly change the encoded amino acid sequence of the ATP1A1 protein. It affects a nucleotide within the consensus splice site. This variant is present in population databases (no rsID available, gnomAD 0.007%). This variant has not been reported in the literature in individuals affected with ATP1A1-related conditions. ClinVar contains an entry for this variant (Variation ID: 1996718). Variants that disrupt the consensus splice site are a relatively common cause of aberrant splicing (PMID: 17576681, 9536098). Algorithms developed to predict the effect of sequence changes on RNA splicing suggest that this variant is not likely to affect RNA splicing. In summary, the available evidence is currently insufficient to determine the role of this variant in disease. Therefore, it has been classified as a Variant of Uncertain Significance.

Literature cited by the submitters: PubMed 17576681; PubMed 9536098.